The following is an entry in ClinVar:

NM_000497.4(CYP11B1):c.1379TGC[7] (p.Leu464_His465insLeuLeu)

Genes: CYP11B1 (cytochrome P450 family 11 subfamily B member 1; minus strand), LOC106799833 (CYP11B1 recombination region; plus strand). Cytogenetic location: 8q24.3.
Variant type: Microsatellite.
Coding change: c.1379TGC[7] on transcript NM_000497.4 (MANE Select); seven copies in a row of the 3-base unit TGC starting at c.1379; the reference has five copies in a row; two copies, 6 bases duplicated.
Protein change: p.Leu464_His465insLeuLeu.
Molecular consequence: intron variant (on NM_001026213.1).
Genome position (GRCh38, 1-based): chr8:142,874,962-142,874,967, GCAGCA duplicated on the plus strand (TGCTGC on the coding strand, the reverse complement: CYP11B1 is on the minus strand); duplicating any 6 consecutive bases within chr8:142,874,962-142,874,976 gives the same sequence; the position shown is the placement nearest the transcript's 3' end. VCF-style (leftmost placement, unchanged base first): chr8-142874961-T-TGCAGCA. GRCh37 (hg19) VCF-style: chr8-143956377-T-TGCAGCA.
Other names: c.1388_1393dupTGCTGC (NM_000497.4); c.1200+258TGC[7] (NM_001026213.1).
Identifiers: ClinVar variation 4525908 (VCV004525908.1).

ClinVar aggregate classification (germline): Likely pathogenic (1 of 4 stars; one submission).

Conditions:
Congenital adrenal hyperplasia. Identifiers: Orphanet 418, MedGen C0001627, MONDO:0018479, HP:0008258.

Submission:

Women's Health and Genetics/Laboratory Corporation of America, LabCorp
Classification: Likely pathogenic for Congenital adrenal hyperplasia. Last evaluated: 2025-07-15. Review status: criteria provided, single submitter. Criteria: LabCorp Variant Classification Summary - May 2015. Collection method: clinical testing. Allele origin: germline.
Comment: Variant summary: CYP11B1 c.1388_1393dupTGCTGC (p.Leu463_Leu464dup) results in an in-frame duplication that is predicted to duplicate two amino acids into the encoded protein. The frequency data for this variant in gnomAD is considered unreliable, as metrics indicate poor data quality at this position. c.1388_1393dupTGCTGC has been observed in individual(s) affected with Congenital Adrenal Hyperplasia (example: Polat_2014). These data indicate that the variant may be associated with disease. At least one publication reports experimental evidence evaluating an impact on protein function. The most pronounced variant effect results in <10% of normal activity (Polat_2014). The following publication has been ascertained in the context of this evaluation (PMID: 24536089). No submitters have cited clinical-significance assessments for this variant to ClinVar. Based on the evidence outlined above, the variant was classified as likely pathogenic.

Literature cited by the submitters: PubMed 24536089.